The following is an entry in ClinVar:

NC_012920.1(MT-ND1):m.4058C>T

Gene: MT-ND1 (mitochondrially encoded NADH dehydrogenase 1; plus strand).
Variant type: single nucleotide variant.
Genome position: chrM-4058-C-T.
Identifiers: ClinVar variation 692418 (VCV000692418.1), dbSNP rs1603219282, ClinGen allele CA414774099.

ClinVar aggregate classification (germline): Likely benign (1 of 4 stars; one submission).

Conditions:
Leigh syndrome (NULS). Also called: Leigh's necrotizing encephalopathy; Leigh's disease; Leigh Syndrome (mtDNA deletion); Leigh Disease; Subacute necrotizing encephalopathy; Necrotizing encephalopathy infantile subacute of Leigh. Identifiers: Orphanet 506, MedGen C2931891, MONDO:0009723, OMIM 256000.

Submission:

Wong Mito Lab, Molecular and Human Genetics, Baylor College of Medicine
Classification: Likely benign for Leigh syndrome. Last evaluated: 2019-10-17. Review status: criteria provided, single submitter. Criteria: Modified ACMG Guidelines (Unpublished). Collection method: clinical testing. Allele origin: germline.
Comment: The NC_012920.1:m.4058C>T (YP_003024026.1:p.Ser251Phe) variant in MTND1 gene is interpretated to be a Likely Benign variant based on the modified ACMG guidelines (unpublished). This variant meets the following evidence codes: BP4